The following is an entry in ClinVar:

ClinVar aggregate classification (germline): Conflicting classifications of pathogenicity. Review status: criteria provided, conflicting classifications (1 of 4 stars). 2 submissions from 2 submitters: Likely pathogenic (1); Uncertain significance (1). Last evaluated 2024-05-04.

Conditions:
Ovarian cancer. Also called: OVARIAN CANCER, SOMATIC. Identifiers: Orphanet 213500, MedGen C1140680, MONDO:0008170, OMIM 167000.
Werner syndrome (WRN). Identifiers: Orphanet 902, MedGen C0043119, MONDO:0010196, OMIM 277700.

Submissions (2):

Labcorp Genetics (formerly Invitae), Labcorp
Classification: Uncertain significance for Werner syndrome. Last evaluated: 2024-05-04. Review status: criteria provided, single submitter. Criteria: Invitae Variant Classification Sherloc (09022015). Collection method: clinical testing. Allele origin: germline.
Comment: This sequence change replaces leucine, which is neutral and non-polar, with phenylalanine, which is neutral and non-polar, at codon 784 of the WRN protein (p.Leu784Phe). This variant is not present in population databases (gnomAD no frequency). This variant has not been reported in the literature in individuals affected with WRN-related conditions. ClinVar contains an entry for this variant (Variation ID: 661950). An algorithm developed to predict the effect of missense changes on protein structure and function (PolyPhen-2) suggests that this variant is likely to be disruptive. In summary, the available evidence is currently insufficient to determine the role of this variant in disease. Therefore, it has been classified as a Variant of Uncertain Significance.

Laboratory of Molecular Epidemiology of Birth Defects, West China Second University Hospital, Sichuan University
Classification: Likely pathogenic for Ovarian cancer. Last evaluated: 2022-01-01. Review status: criteria provided, single submitter. Criteria: ACMG Guidelines, 2015. Collection method: clinical testing. Allele origin: germline. Affected: yes.

NM_000553.6(WRN):c.2350C>T (p.Leu784Phe)

Gene: WRN (WRN RecQ like helicase; plus strand). Cytogenetic location: 8p12.
Variant type: single nucleotide variant.
Coding change: c.2350C>T on transcript NM_000553.6 (MANE Select); coding-DNA position 2350, C replaced by T.
Protein change: p.Leu784Phe; replaces leucine 784 with phenylalanine.
Molecular consequence: missense variant.
Genome position (GRCh38, 1-based): chr8:31,116,430, C>T. VCF-style: chr8-31116430-C-T. GRCh37 (hg19) VCF-style: chr8-30973946-C-T.
Other names: short protein forms L784F.
Identifiers: ClinVar variation 661950 (VCV000661950.6), dbSNP rs1585478310, ClinGen allele CA370913613.